The following is an entry in ClinVar:

NM_004415.4(DSP):c.434T>A (p.Leu145His)

Gene: DSP (desmoplakin; plus strand). Cytogenetic location: 6p24.3.
Variant type: single nucleotide variant.
Coding change: c.434T>A on transcript NM_004415.4 (MANE Select); coding-DNA position 434, T replaced by A.
Protein change: p.Leu145His; replaces leucine 145 with histidine.
Molecular consequence: missense variant.
Genome position (GRCh38, 1-based): chr6:7,559,237, T>A. VCF-style: chr6-7559237-T-A. GRCh37 (hg19) VCF-style: chr6-7559470-T-A.
Other names: c.434T>A, p.Leu145His (NM_001008844.3, NM_001319034.2, NM_001406591.1); short protein forms L145H.
Identifiers: ClinVar variation 2775261 (VCV002775261.2), dbSNP rs2533853081, ClinGen allele CA362672004.

ClinVar aggregate classification (germline): Uncertain significance (1 of 4 stars; one submission).

Conditions:
Cardiomyopathy (CMYO). Also called: Cardiomyopathies. Identifiers: Orphanet 167848, MedGen C0878544, MONDO:0004994, HP:0001638. Inheritance: Various modes of inheritance.

Submission:

Color Diagnostics, LLC DBA Color Health
Classification: Uncertain significance for Cardiomyopathy. Last evaluated: 2023-08-28. Review status: criteria provided, single submitter. Criteria: ACMG Guidelines, 2015. Collection method: clinical testing. Allele origin: germline.
Comment: This missense variant replaces leucine with histidine at codon 145 of the DSP protein. Computational prediction is inconclusive regarding the impact of this variant on protein structure and function (internally defined REVEL score threshold 0.5 < inconclusive < 0.7, PMID: 27666373). To our knowledge, functional studies have not been reported for this variant. This variant has not been reported in individuals affected with DSP-related disorders in the literature. This variant has not been identified in the general population by the Genome Aggregation Database (gnomAD). The available evidence is insufficient to determine the role of this variant in disease conclusively. Therefore, this variant is classified as a Variant of Uncertain Significance.